The following is an entry in ClinVar:

NM_001369.3(DNAH5):c.9897+1G>C

Gene: DNAH5 (dynein axonemal heavy chain 5; minus strand). Cytogenetic location: 5p15.2.
Variant type: single nucleotide variant.
Coding change: c.9897+1G>C on transcript NM_001369.3 (MANE Select); the canonical splice donor site of the intron after coding-DNA position 9897, G replaced by C.
Molecular consequence: splice donor variant.
Genome position (GRCh38, 1-based): chr5:13,768,959, C>G on the plus strand (G>C on the coding strand, the complement: DNAH5 is on the minus strand). VCF-style: chr5-13768959-C-G. GRCh37 (hg19) VCF-style: chr5-13769068-C-G.
Identifiers: ClinVar variation 568873 (VCV000568873.13), dbSNP rs914675446, ClinGen allele CA113930688.

ClinVar aggregate classification (germline): Pathogenic/Likely pathogenic. Review status: criteria provided, multiple submitters, no conflicts (2 of 4 stars). 3 submissions from 3 submitters: Pathogenic (1); Likely pathogenic (2). Last evaluated 2026-08-10.

Conditions:
Primary ciliary dyskinesia 3. Identifiers: Orphanet 244, MedGen C1837618, MONDO:0012085, OMIM 608644.
DNAH5-related disorder. Also called: DNAH5-related condition.
Primary ciliary dyskinesia. Also called: Ciliary dyskinesia. Identifiers: Orphanet 244, MedGen C0008780, MONDO:0016575, HP:0012265.

Allele frequency attached by ClinVar (database versions not stated): gnomAD exomes below 0.00001; gnomAD 0.00001; TOPMed 0.00002.
gnomAD v4.1: 19 of 1,613,986 alleles (0.0012%); highest among the groups gnomAD compares: Admixed American, 0.0017%; no homozygotes.

Submissions (3):

Myriad Genetics, Inc.
Classification: Likely pathogenic for Primary ciliary dyskinesia 3. Last evaluated: 2026-08-10. Review status: criteria provided, single submitter. Criteria: Myriad Autosomal Dominant, Autosomal Recessive and X-Linked Classification Criteria (2023). Collection method: clinical testing. Allele origin: unknown.
Comment: NM_001369.2(DNAH5):c.9897+1G>C is a variant in a canonical splice site classified as likely pathogenic in the context of primary ciliary dyskinesia, DNAH5-related. c.9897+1G>C has been observed in a case with relevant disease (PMID: 41611251). Relevant functional assessments of this variant are not available in the literature. c.9897+1G>C has been observed in referenced population frequency databases. In summary, NM_001369.2(DNAH5):c.9897+1G>C is a variant in a canonical splice site in a gene where loss of function is a known mechanism of disease, is predicted to disrupt protein function, and has been observed more frequently in cases with the relevant disease than in healthy populations. Please note: this variant was assessed in the context of healthy population screening.

Labcorp Genetics (formerly Invitae), Labcorp
Classification: Pathogenic for Primary ciliary dyskinesia. Last evaluated: 2024-04-10. Review status: criteria provided, single submitter. Criteria: Invitae Variant Classification Sherloc (09022015). Collection method: clinical testing. Allele origin: germline.
Comment: This sequence change affects a donor splice site in intron 58 of the DNAH5 gene. It is expected to disrupt RNA splicing. Variants that disrupt the donor or acceptor splice site typically lead to a loss of protein function (PMID: 16199547), and loss-of-function variants in DNAH5 are known to be pathogenic (PMID: 11788826, 16627867). This variant is present in population databases (no rsID available, gnomAD 0.004%). Disruption of this splice site has been observed in individual(s) with primary ciliary dyskinesia (Invitae). ClinVar contains an entry for this variant (Variation ID: 568873). Algorithms developed to predict the effect of sequence changes on RNA splicing suggest that this variant may disrupt the consensus splice site. For these reasons, this variant has been classified as Pathogenic.

PreventionGenetics, part of Exact Sciences
Classification: Likely pathogenic for DNAH5-related condition. Last evaluated: 2023-09-05. Review status: criteria provided, single submitter. Criteria: ACMG Guidelines, 2015. Collection method: clinical testing. Allele origin: germline.
Comment: The DNAH5 c.9897+1G>C variant is predicted to disrupt the GT donor site and interfere with normal splicing. To our knowledge, this variant has not been reported in the literature. It is reported in 0.0040% of alleles in individuals of African descent in gnomAD. Variants that disrupt the consensus splice donor site in DNAH5 are expected to be pathogenic. This variant is interpreted as likely pathogenic.

Literature cited by the submitters: PubMed 41611251 (cited by Myriad Genetics, Inc.); PubMed 16199547 (cited by Labcorp Genetics (formerly Invitae), Labcorp); PubMed 11788826 (cited by Labcorp Genetics (formerly Invitae), Labcorp); PubMed 16627867 (cited by Labcorp Genetics (formerly Invitae), Labcorp).